The following is an entry in ClinVar:

NM_005051.3(QARS1):c.815C>G (p.Pro272Arg)

Gene: QARS1 (glutaminyl-tRNA synthetase 1; minus strand). Cytogenetic location: 3p21.31.
Variant type: single nucleotide variant.
Coding change: c.815C>G on transcript NM_005051.3 (MANE Select); coding-DNA position 815, C replaced by G.
Protein change: p.Pro272Arg; replaces proline 272 with arginine.
Molecular consequence: missense variant. On other transcripts: non-coding transcript variant (1).
Genome position (GRCh38, 1-based): chr3:49,101,416, G>C on the plus strand (C>G on the coding strand, the complement: QARS1 is on the minus strand). VCF-style: chr3-49101416-G-C. GRCh37 (hg19) VCF-style: chr3-49138849-G-C.
Other names: c.782C>G, p.Pro261Arg (NM_001272073.2); short protein forms P261R, P272R.
Identifiers: ClinVar variation 1911031 (VCV001911031.3), dbSNP rs1366554899, ClinGen allele CA352714236.
Genomic context (GRCh38, chr3:49,101,416, plus strand): 5'-TTGGCATAGCCAAAGTTGAAATTGATGGCTTTGGCATGTCCAATATGCAGGATTCCATTG[G>C]GTTCTGGCGGGAACCGGGTACGTACCTAAAATAAGGGGGATGGGAAAAGAGAAATAAAGT-3'
Protein context (NP_005042.1, residues 262-282): GQVRTRFPPE[Pro272Arg]NGILHIGHAK

ClinVar aggregate classification (germline): Uncertain significance (1 of 4 stars; one submission).

Conditions:
Diffuse cerebral and cerebellar atrophy - intractable seizures - progressive microcephaly syndrome. Also called: Microcephaly, progressive, with seizures and cerebral and cerebellar atrophy. Identifiers: Orphanet 404437, MedGen C4014239, MONDO:0014335, OMIM 615760.

Allele frequency attached by ClinVar (database versions not stated): gnomAD exomes below 0.00001; TOPMed below 0.00001; gnomAD 0.00001.
gnomAD v4.1: 5 of 1,613,910 alleles (0.00031%); highest among the groups gnomAD compares: African/African-American, 0.0053%; no homozygotes.

Submission:

Labcorp Genetics (formerly Invitae), Labcorp
Classification: Uncertain significance for Diffuse cerebral and cerebellar atrophy - intractable seizures - progressive microcephaly syndrome. Last evaluated: 2022-08-19. Review status: criteria provided, single submitter. Criteria: Invitae Variant Classification Sherloc (09022015). Collection method: clinical testing. Allele origin: germline.
Comment: This sequence change replaces proline, which is neutral and non-polar, with arginine, which is basic and polar, at codon 272 of the QARS protein (p.Pro272Arg). This variant is present in population databases (no rsID available, gnomAD 0.02%). In summary, the available evidence is currently insufficient to determine the role of this variant in disease. Therefore, it has been classified as a Variant of Uncertain Significance. Algorithms developed to predict the effect of missense changes on protein structure and function (SIFT, PolyPhen-2, Align-GVGD) all suggest that this variant is likely to be disruptive. This variant has not been reported in the literature in individuals affected with QARS-related conditions.